The following is an entry in ClinVar:

ClinVar aggregate classification (germline): Likely pathogenic (1 of 4 stars; one submission).

Submission:

Labcorp Genetics (formerly Invitae), Labcorp
Classification: Likely pathogenic. Last evaluated: 2023-01-23. Review status: criteria provided, single submitter. Criteria: Invitae Variant Classification Sherloc (09022015). Collection method: clinical testing. Allele origin: germline.
Comment: In summary, the currently available evidence indicates that the variant is pathogenic, but additional data are needed to prove that conclusively. Therefore, this variant has been classified as Likely Pathogenic. Algorithms developed to predict the effect of sequence changes on RNA splicing suggest that this variant may disrupt the consensus splice site. This variant has not been reported in the literature in individuals affected with COL7A1-related conditions. This variant is not present in population databases (gnomAD no frequency). This sequence change affects a donor splice site in intron 19 of the COL7A1 gene. It is expected to disrupt RNA splicing. Variants that disrupt the donor or acceptor splice site typically lead to a loss of protein function (PMID: 16199547), and loss-of-function variants in COL7A1 are known to be pathogenic (PMID: 16971478).

Literature cited by the submitters: PubMed 16199547; PubMed 16971478.

NM_000094.4(COL7A1):c.2587+2T>C

Gene: COL7A1 (collagen type VII alpha 1 chain; minus strand). Cytogenetic location: 3p21.31.
Variant type: single nucleotide variant.
Coding change: c.2587+2T>C on transcript NM_000094.4 (MANE Select); the canonical splice donor site of the intron after coding-DNA position 2587, T replaced by C.
Molecular consequence: splice donor variant.
Genome position (GRCh38, 1-based): chr3:48,588,640, A>G on the plus strand (T>C on the coding strand, the complement: COL7A1 is on the minus strand). VCF-style: chr3-48588640-A-G. GRCh37 (hg19) VCF-style: chr3-48626073-A-G.
Identifiers: ClinVar variation 2831233 (VCV002831233.3), dbSNP rs2531257577, ClinGen allele CA352718263.